The following is an entry in ClinVar:

ClinVar aggregate classification (germline): Likely benign (1 of 4 stars; one submission).

gnomAD v4.1: 3 of 1,607,028 alleles (0.00019%); highest among the groups gnomAD compares: Admixed American, 0.0017%; no homozygotes.

Submission:

CeGaT Center for Human Genetics Tuebingen
Classification: Likely benign. Last evaluated: 2024-09-01. Review status: criteria provided, single submitter. Criteria: CeGaT Center For Human Genetics Tuebingen Variant Classification Criteria Version 2. Collection method: clinical testing. Allele origin: germline. Affected: yes. Observed: 1 variant allele.
Comment: ANKRD28: BP4, BP7

NM_001349278.2(ANKRD28):c.2970T>C (p.Tyr990=)

Genes: ANKRD28 (ankyrin repeat domain 28; minus strand), BTD (biotinidase; plus strand). Cytogenetic location: 3p25.1.
Variant type: single nucleotide variant.
Coding change: c.2970T>C on transcript NM_001349278.2 (MANE Select); coding-DNA position 2970, T replaced by C.
Protein change: p.Tyr990=; no amino-acid change (tyrosine 990 retained).
Molecular consequence: synonymous variant. On other transcripts: non-coding transcript variant (2), intron variant (5).
Genome position (GRCh38, 1-based): chr3:15,670,552, A>G on the plus strand (T>C on the coding strand, the complement: ANKRD28 is on the minus strand). VCF-style: chr3-15670552-A-G. GRCh37 (hg19) VCF-style: chr3-15712059-A-G.
Other names: c.2880T>C, p.Tyr960= (NM_015199.4); c.1015+25621A>G (NM_001370752.1, NM_001407379.1); c.399+28495A>G (NM_001370753.1); c.400-17759A>G (NM_001407400.1); c.400-1058A>G (NM_001407401.1); c.2418T>C, p.Tyr806= (NM_001195098.1, NM_001195099.2, NM_001349283.2); c.2979T>C, p.Tyr993= (NM_001349277.2); c.2871T>C, p.Tyr957= (NM_001349279.2); and 1 more.
Identifiers: ClinVar variation 3388253 (VCV003388253.14).